The following is an entry in ClinVar:

ClinVar aggregate classification (germline): Likely benign. Review status: criteria provided, multiple submitters, no conflicts (2 of 4 stars). 2 submissions from 2 submitters: Likely benign (2). Last evaluated 2026-07-01.

Allele frequency attached by ClinVar (database versions not stated): ExAC 0.00047.

Submissions (2):

CeGaT Center for Human Genetics Tuebingen
Classification: Likely benign. Last evaluated: 2026-07-01. Review status: criteria provided, single submitter. Criteria: CeGaT Center For Human Genetics Tuebingen Variant Classification Criteria Version 2. Collection method: clinical testing. Allele origin: germline. Affected: yes. Observed: 1 variant allele.
Comment: AHNAK2: BP4

Ambry Genetics
Classification: Likely benign. Last evaluated: 2023-06-02. Review status: criteria provided, single submitter. Criteria: Ambry Variant Classification Scheme 2023. Collection method: clinical testing. Allele origin: germline.

NM_138420.4(AHNAK2):c.7993G>A (p.Glu2665Lys)

Gene: AHNAK2 (AHNAK nucleoprotein 2; minus strand). Cytogenetic location: 14q32.33.
Variant type: single nucleotide variant.
Coding change: c.7993G>A on transcript NM_138420.4 (MANE Select); coding-DNA position 7993, G replaced by A.
Protein change: p.Glu2665Lys; replaces glutamic acid 2665 with lysine.
Molecular consequence: missense variant.
Genome position (GRCh38, 1-based): chr14:104,947,458, C>T on the plus strand (G>A on the coding strand, the complement: AHNAK2 is on the minus strand). VCF-style: chr14-104947458-C-T. GRCh37 (hg19) VCF-style: chr14-105413795-C-T.
Other names: c.7693G>A, p.Glu2565Lys (NM_001350929.2); short protein forms E2565K, E2665K.
Identifiers: ClinVar variation 2520090 (VCV002520090.3), dbSNP rs369787479, ClinGen allele CA7380299.